The following is an entry in ClinVar:

ClinVar aggregate classification (germline): Conflicting classifications of pathogenicity. Review status: criteria provided, conflicting classifications (1 of 4 stars). 3 submissions from 3 submitters: Uncertain significance (1); Benign (1); Likely benign (1). Last evaluated 2026-10-06.

Conditions:
Familial thoracic aortic aneurysm and aortic dissection (TAAD). Also called: Thoracic aortic aneurysms and dissections. Identifiers: Orphanet 91387, MedGen C4707243, MONDO:0019625.
Marfan syndrome (MFS). Also called: FBN1-Related Marfan Syndrome; Marfan syndrome type 1; Marfan syndrome, classic; Marfan's syndrome; MARFAN SYNDROME, TYPE I. Identifiers: Orphanet 284963, Orphanet 558, MedGen C0024796, MONDO:0007947, OMIM 154700.

Allele frequency attached by ClinVar (database versions not stated): gnomAD 0.00003; gnomAD exomes below 0.00001.

Submissions (3):

GeneDx
Classification: Uncertain significance. Last evaluated: 2026-10-06. Review status: criteria provided, single submitter. Criteria: GeneDx Variant Classification Process June 2021. Collection method: clinical testing. Allele origin: germline.
Comment: Not observed at significant frequency in large population cohorts (gnomAD); In silico analysis suggests that this missense variant does not alter protein structure/function; Has not been previously published as pathogenic or benign to our knowledge; Does not affect a cysteine or calcium-binding residue within an EGF-like domain or a TGF-binding protein domain of the FBN1 gene; cysteine substitutions in the EGF-like domains represent the majority of pathogenic missense changes associated with FBN1-related disorders (PMID: 12938084); This variant is associated with the following publications: (PMID: 12938084)

Color Diagnostics, LLC DBA Color Health
Classification: Likely benign for Familial thoracic aortic aneurysm and aortic dissection. Last evaluated: 2025-06-02. Review status: criteria provided, single submitter. Criteria: ACMG Guidelines, 2015. Collection method: clinical testing. Allele origin: germline.

Labcorp Genetics (formerly Invitae), Labcorp
Classification: Benign for Marfan syndrome; Familial thoracic aortic aneurysm and aortic dissection. Last evaluated: 2023-07-07. Review status: criteria provided, single submitter. Criteria: Invitae Variant Classification Sherloc (09022015). Collection method: clinical testing. Allele origin: germline.

NM_000138.5(FBN1):c.3610A>G (p.Met1204Val)

Gene: FBN1 (fibrillin 1; minus strand). Cytogenetic location: 15q21.1.
Variant type: single nucleotide variant.
Coding change: c.3610A>G on transcript NM_000138.5 (MANE Select); coding-DNA position 3610, A replaced by G.
Protein change: p.Met1204Val; replaces methionine 1204 with valine.
Molecular consequence: missense variant.
Genome position (GRCh38, 1-based): chr15:48,485,476, T>C on the plus strand (A>G on the coding strand, the complement: FBN1 is on the minus strand). VCF-style: chr15-48485476-T-C. GRCh37 (hg19) VCF-style: chr15-48777673-T-C.
Other names: short protein forms M1204V.
Identifiers: ClinVar variation 527204 (VCV000527204.11), dbSNP rs775707895, ClinGen allele CA269527212.